The following is an entry in ClinVar:

ClinVar aggregate classification (germline): Uncertain significance. Review status: criteria provided, single submitter (1 of 4 stars). 2 submissions from 2 submitters: Uncertain significance (1). 1 of the submissions does not count toward it. Last evaluated 2025-04-02.

Conditions:
Inborn genetic diseases. Identifiers: MedGen C0950123, MeSH D030342.
PCNT-related disorder. Also called: PCNT-related condition.

Allele frequency attached by ClinVar (database versions not stated): gnomAD exomes below 0.00001; ExAC 0.00001; gnomAD 0.00001; TOPMed 0.00003.
gnomAD v4.1: 6 of 1,612,904 alleles (0.00037%); highest among the groups gnomAD compares: Admixed American, 0.01%; no homozygotes.

Submissions (2):

Ambry Genetics
Classification: Uncertain significance for Inborn genetic diseases. Last evaluated: 2025-04-02. Review status: criteria provided, single submitter. Criteria: Ambry Variant Classification Scheme 2023. Collection method: clinical testing. Allele origin: germline.

PreventionGenetics, part of Exact Sciences
Classification: Uncertain significance for PCNT-related condition. Last evaluated: 2024-08-14. Review status: no assertion criteria provided. Collection method: clinical testing. Allele origin: germline. Not counted in ClinVar's aggregate classification.
Comment: The PCNT c.2171T>C variant is predicted to result in the amino acid substitution p.Ile724Thr. To our knowledge, this variant has not been reported in the literature. This variant is reported in 0.014% of alleles in individuals of Latino descent in gnomAD. At this time, the clinical significance of this variant is uncertain due to the absence of conclusive functional and genetic evidence.

NM_006031.6(PCNT):c.2171T>C (p.Ile724Thr)

Gene: PCNT (pericentrin; plus strand). Cytogenetic location: 21q22.3.
Variant type: single nucleotide variant.
Coding change: c.2171T>C on transcript NM_006031.6 (MANE Select); coding-DNA position 2171, T replaced by C.
Protein change: p.Ile724Thr; replaces isoleucine 724 with threonine.
Molecular consequence: missense variant.
Genome position (GRCh38, 1-based): chr21:46,363,496, T>C. VCF-style: chr21-46363496-T-C. GRCh37 (hg19) VCF-style: chr21-47783411-T-C.
Other names: c.1817T>C, p.Ile606Thr (NM_001315529.2); short protein forms I606T, I724T.
Identifiers: ClinVar variation 2629151 (VCV002629151.3), dbSNP rs774230550, ClinGen allele CA10078919.
Genomic context (GRCh38, chr21:46,363,496, plus strand): 5'-TCCATTAGCGTCTTTCCTCCTAAATGAAATTATGTTGTCTGTAGGTAAAACACAATCTAA[T>C]TGAAGACCACCAGAAGGAACTAAATAATGCTAAGCAAAAGACTGAGCTGATGAAACAGGA-3'
Protein context (NP_006022.3, residues 714-734): DDLEKVKHNL[Ile724Thr]EDHQKELNNA